The following is an entry in ClinVar:

NM_004370.6(COL12A1):c.6165C>A (p.Tyr2055Ter)

Gene: COL12A1 (collagen type XII alpha 1 chain; minus strand). Cytogenetic location: 6q13.
Variant type: single nucleotide variant.
Coding change: c.6165C>A on transcript NM_004370.6 (MANE Select); coding-DNA position 6165, C replaced by A.
Protein change: p.Tyr2055Ter; replaces tyrosine 2055 with a stop codon.
Molecular consequence: nonsense.
Genome position (GRCh38, 1-based): chr6:75,130,136, G>T on the plus strand (C>A on the coding strand, the complement: COL12A1 is on the minus strand). VCF-style: chr6-75130136-G-T. GRCh37 (hg19) VCF-style: chr6-75839852-G-T.
Other names: c.6165C>A, p.Tyr2055Ter (NM_001424113.1); c.6144C>A, p.Tyr2048Ter (NM_001424114.1); c.5892C>A, p.Tyr1964Ter (NM_001424115.1); c.2673C>A, p.Tyr891Ter (NM_001424116.1, NM_080645.3); short protein forms Y2055*, Y2048*, Y1964*, Y891*.
Identifiers: ClinVar variation 2948340 (VCV002948340.3), dbSNP rs2533264880, ClinGen allele CA364730942.

ClinVar aggregate classification (germline): Pathogenic (1 of 4 stars; one submission).

Conditions:
Ullrich congenital muscular dystrophy 2 (UCMD2). Identifiers: Orphanet 75840, MedGen C4225314, MONDO:0014654, OMIM 616470.
Bethlem myopathy 2 (BTHLM2). Identifiers: Orphanet 536516, Orphanet 610, MedGen C4225313, MONDO:0034022, OMIM 616471.

Submission:

Labcorp Genetics (formerly Invitae), Labcorp
Classification: Pathogenic for Bethlem myopathy 2; Ullrich congenital muscular dystrophy 2. Last evaluated: 2023-05-29. Review status: criteria provided, single submitter. Criteria: Invitae Variant Classification Sherloc (09022015). Collection method: clinical testing. Allele origin: germline.
Comment: This sequence change creates a premature translational stop signal (p.Tyr2055*) in the COL12A1 gene. It is expected to result in an absent or disrupted protein product. Loss-of-function variants in COL12A1 are known to be pathogenic (PMID: 24334604, 28973083). For these reasons, this variant has been classified as Pathogenic. This variant has not been reported in the literature in individuals affected with COL12A1-related conditions. This variant is not present in population databases (gnomAD no frequency).

Literature cited by the submitters: PubMed 24334604; PubMed 28973083.